The following is an entry in ClinVar:

ClinVar aggregate classification (germline): Benign/Likely benign. Review status: criteria provided, multiple submitters, no conflicts (2 of 4 stars). 4 submissions from 4 submitters: Benign (1); Likely benign (1). 2 of the submissions do not count toward it. Last evaluated 2025-11-12.

Conditions:
KMT2C-related disorder. Also called: KMT2C-related condition; KMT2C-related disorders.

Allele frequency attached by ClinVar (database versions not stated): gnomAD 0.00025; TOPMed 0.00025; 1000 Genomes Project 30x 0.00031; 1000 Genomes Project 0.00040.
gnomAD v4.1: 50 of 1,614,148 alleles (0.0031%); highest among the groups gnomAD compares: African/African-American, 0.056%; no homozygotes.

Submissions (4):

Women's Health and Genetics/Laboratory Corporation of America, LabCorp
Classification: Likely benign. Last evaluated: 2025-11-12. Review status: criteria provided, single submitter. Criteria: LabCorp Variant Classification Summary - May 2015. Collection method: clinical testing. Allele origin: germline.
Comment: Variant summary: KMT2C c.10403C>T (p.Pro3468Leu) results in a non-conservative amino acid change in the encoded protein sequence. Algorithms developed to predict the effect of missense changes on protein structure and function all suggest that this variant is likely to be disruptive. The variant allele was found at a frequency of 5.2e-05 in 251484 control chromosomes. This frequency is not significantly higher than estimated for disease-causing variants in KMT2C, allowing no conclusion about variant significance. However, the number of heterozygous controls in the gnomAD database is not consistent with the early onset/severe presentation of KMT2C-related conditions. To our knowledge, no occurrence of c.10403C>T in individuals affected with KMT2C-related conditions and no experimental evidence demonstrating its impact on protein function have been reported. The following publication have been ascertained in the context of this evaluation (PMID: 34620004). ClinVar contains an entry for this variant (Variation ID: 134787). Based on the evidence outlined above, the variant was classified as likely benign.

Labcorp Genetics (formerly Invitae), Labcorp
Classification: Benign. Last evaluated: 2022-12-02. Review status: criteria provided, single submitter. Criteria: Invitae Variant Classification Sherloc (09022015). Collection method: clinical testing. Allele origin: germline.

PreventionGenetics, part of Exact Sciences
Classification: Likely benign for KMT2C-related condition. Last evaluated: 2022-06-12. Review status: no assertion criteria provided. Collection method: clinical testing. Allele origin: germline. Not counted in ClinVar's aggregate classification.
Comment: This variant is classified as likely benign based on ACMG/AMP sequence variant interpretation guidelines (Richards et al. 2015 PMID: 25741868, with internal and published modifications).

ITMI
No classification provided. Condition: AllHighlyPenetrant. Last evaluated: 2013-09-19. Review status: no classification provided. Collection method: reference population. Allele origin: germline. Not counted in ClinVar's aggregate classification.
Comment: Please see associated publication for description of ethnicities

Literature cited by the submitters: PubMed 34620004 (cited by Women's Health and Genetics/Laboratory Corporation of America, LabCorp); PubMed 24728327 (cited by ITMI).

NM_170606.3(KMT2C):c.10403C>T (p.Pro3468Leu)

Gene: KMT2C (lysine methyltransferase 2C; minus strand). Cytogenetic location: 7q36.1.
Variant type: single nucleotide variant.
Coding change: c.10403C>T on transcript NM_170606.3 (MANE Select); coding-DNA position 10403, C replaced by T.
Protein change: p.Pro3468Leu; replaces proline 3468 with leucine.
Molecular consequence: missense variant.
Genome position (GRCh38, 1-based): chr7:152,163,174, G>A on the plus strand (C>T on the coding strand, the complement: KMT2C is on the minus strand). VCF-style: chr7-152163174-G-A. GRCh37 (hg19) VCF-style: chr7-151860259-G-A.
Other names: c.10403C>T (NM_170606.2); short protein forms P3468L.
Identifiers: ClinVar variation 134787 (VCV000134787.10), dbSNP rs565114967, ClinGen allele CA160745.